The following is an entry in ClinVar:

ClinVar aggregate classification (germline): Uncertain significance (1 of 4 stars; one submission).

Submission:

CeGaT Center for Human Genetics Tuebingen
Classification: Uncertain significance. Last evaluated: 2026-06-01. Review status: criteria provided, single submitter. Criteria: CeGaT Center For Human Genetics Tuebingen Variant Classification Criteria Version 2. Collection method: clinical testing. Allele origin: germline. Affected: yes. Observed: 1 variant allele.
Comment: AFF4: PM2, PP2

NM_014423.4(AFF4):c.2874G>T (p.Lys958Asn)

Gene: AFF4 (ALF transcription elongation factor 4; minus strand). Cytogenetic location: 5q31.1.
Variant type: single nucleotide variant.
Coding change: c.2874G>T on transcript NM_014423.4 (MANE Select); coding-DNA position 2874, G replaced by T.
Protein change: p.Lys958Asn; replaces lysine 958 with asparagine.
Molecular consequence: missense variant.
Genome position (GRCh38, 1-based): chr5:132,887,905, C>A on the plus strand (G>T on the coding strand, the complement: AFF4 is on the minus strand). VCF-style: chr5-132887905-C-A. GRCh37 (hg19) VCF-style: chr5-132223597-C-A.
Other names: short protein forms K958N.
Identifiers: ClinVar variation 4875414 (VCV004875414.2).